The following is an entry in ClinVar:

NM_000435.3(NOTCH3):c.772T>C (p.Tyr258His)

Gene: NOTCH3 (notch receptor 3; minus strand). Cytogenetic location: 19p13.12.
Variant type: single nucleotide variant.
Coding change: c.772T>C on transcript NM_000435.3 (MANE Select); coding-DNA position 772, T replaced by C.
Protein change: p.Tyr258His; replaces tyrosine 258 with histidine.
Molecular consequence: missense variant.
Genome position (GRCh38, 1-based): chr19:15,191,775, A>G on the plus strand (T>C on the coding strand, the complement: NOTCH3 is on the minus strand). VCF-style: chr19-15191775-A-G. GRCh37 (hg19) VCF-style: chr19-15302586-A-G.
Other names: short protein forms Y258H.
Identifiers: ClinVar variation 1675730 (VCV001675730.33), dbSNP rs887378958, ClinGen allele CA305777508.

ClinVar aggregate classification (germline): Uncertain significance (1 of 4 stars; one submission).

Allele frequency attached by ClinVar (database versions not stated): gnomAD exomes below 0.00001 and 0.00001; gnomAD 0.00001; TOPMed 0.00001.

Submission:

CeGaT Center for Human Genetics Tuebingen
Classification: Uncertain significance. Last evaluated: 2022-03-01. Review status: criteria provided, single submitter. Criteria: CeGaT Center For Human Genetics Tuebingen Variant Classification Criteria Version 2. Collection method: clinical testing. Allele origin: germline. Affected: yes. Observed: 2 variant alleles.
Comment: NOTCH3: PM5, PP3